The following is an entry in ClinVar:

ClinVar aggregate classification (germline): not provided (0 of 4 stars; one submission).

Allele frequency attached by ClinVar (database versions not stated): gnomAD 0.00001; TOPMed below 0.00001 and 0.00001.
gnomAD v4.1: 3 of 1,613,900 alleles (0.00019%); highest among the groups gnomAD compares: Non-Finnish European, 0.00025%; no homozygotes.

Submission:

ITMI
No classification provided. Condition: AllHighlyPenetrant. Last evaluated: 2013-09-19. Review status: no classification provided. Collection method: reference population. Allele origin: germline.
Comment: Please see associated publication for description of ethnicities

Literature cited by the submitters: PubMed 24728327.

NM_030917.4(FIP1L1):c.101A>G (p.His34Arg)

Gene: FIP1L1 (factor interacting with PAPOLA and CPSF1; plus strand). Cytogenetic location: 4q12.
Variant type: single nucleotide variant.
Coding change: c.101A>G on transcript NM_030917.4 (MANE Select); coding-DNA position 101, A replaced by G.
Protein change: p.His34Arg; replaces histidine 34 with arginine.
Molecular consequence: missense variant. On other transcripts: non-coding transcript variant (2), intron variant (20).
Genome position (GRCh38, 1-based): chr4:53,379,088, A>G. VCF-style: chr4-53379088-A-G. GRCh37 (hg19) VCF-style: chr4-54245255-A-G.
Other names: c.101A>G, p.His34Arg (NM_001376744.1, NM_001376745.1, NM_001376746.1 and 21 more transcripts); c.86-137A>G (NM_001134937.2, NM_001376750.1, NM_001376776.1 and 16 more transcripts); c.28-137A>G (NM_001376782.1); short protein forms H34R.
Identifiers: ClinVar variation 134421 (VCV000134421.1), dbSNP rs587778364, ClinGen allele CA159756.